The following is an entry in ClinVar:

ClinVar aggregate classification (germline): Pathogenic. Review status: criteria provided, single submitter (1 of 4 stars). 2 submissions from 2 submitters: Pathogenic (1). 1 of the submissions does not count toward it. Last evaluated 2023-10-27.

Conditions:
Primary hyperoxaluria, type I (HP1). Also called: OXALOSIS I; Primary hyperoxaluria type 1; GLYCOLIC ACIDURIA; HEPATIC AGT DEFICIENCY. Identifiers: Orphanet 416, Orphanet 93598, MedGen C0268164, MONDO:0009823, OMIM 259900. Disease mechanism: loss of function.

Submissions (2):

Clinical Biochemistry Laboratory, Health Services Laboratory
Classification: Pathogenic for Primary hyperoxaluria, type I. Last evaluated: 2023-10-27. Review status: criteria provided, single submitter. Criteria: ACMG Guidelines, 2015. Collection method: curation. Allele origin: germline. Affected: yes.
Comment: ACMG:PVS1 PM2 PP4

Chinese Inherited Urolithiasis Consortium, The Affiliated Yantai Yuhuangding Hospital of Qingdao University
Classification: Pathogenic for Primary hyperoxaluria, type I. Last evaluated: 2024-08-26. Review status: no assertion criteria provided. Collection method: clinical testing. Allele origin: biparental. Affected: yes. Observed: 1 variant allele. Not counted in ClinVar's aggregate classification.

Literature cited by the submitters: PubMed 30488096 (cited by Clinical Biochemistry Laboratory, Health Services Laboratory).

NM_000030.3(AGXT):c.551C>A (p.Ser184Ter)

Gene: AGXT (alanine--glyoxylate aminotransferase; plus strand). Cytogenetic location: 2q37.3.
Variant type: single nucleotide variant.
Coding change: c.551C>A on transcript NM_000030.3 (MANE Select); coding-DNA position 551, C replaced by A.
Protein change: p.Ser184Ter; replaces serine 184 with a stop codon.
Molecular consequence: nonsense.
Genome position (GRCh38, 1-based): chr2:240,873,005, C>A. VCF-style: chr2-240873005-C-A. GRCh37 (hg19) VCF-style: chr2-241812422-C-A.
Other names: short protein forms S184*.
Identifiers: ClinVar variation 2681171 (VCV002681171.3), dbSNP rs536205988, ClinGen allele CA351316548.
Genomic context (GRCh38, chr2:240,873,005, plus strand): 5'-CTGCTGCCCTCCATTCTGTCCCCCACCTCTCCAGGTACAAGTGCCTGCTCCTGGTGGATT[C>A]GGTGGCATCCCTGGGCGGGACCCCCCTTTACATGGACCGGCAAGGTAAGGGTGGGCTCTG-3'